The following is an entry in ClinVar:

ClinVar aggregate classification (germline): Uncertain significance. Review status: criteria provided, multiple submitters, no conflicts (2 of 4 stars). 3 submissions from 3 submitters: Uncertain significance (3). Last evaluated 2025-12-21.

Conditions:
Arrhythmogenic right ventricular dysplasia 10. Also called: ARRHYTHMOGENIC RIGHT VENTRICULAR DYSPLASIA, FAMILIAL, 10; Arrhythmogenic Right Ventricular Dysplasia/Cardiomyopathy10; Arrhythmogenic right ventricular dysplasia/cardiomyopathy, type 10. Identifiers: MedGen C1857777, MONDO:0012434, OMIM 610193.
Cardiomyopathy (CMYO). Also called: Cardiomyopathies. Identifiers: Orphanet 167848, MedGen C0878544, MONDO:0004994, HP:0001638. Inheritance: Various modes of inheritance.
Arrhythmogenic right ventricular cardiomyopathy (ARVD). Also called: Arrhythmogenic right ventricular dysplasia; Cardiomyopathy, ARVC; Arrhythmogenic cardiomyopathy; Arrhythmogenic Right Ventricular Cardiomyopathy (ARVC). Identifiers: Orphanet 247, MedGen C0349788, MeSH D019571, MONDO:0016587. Disease mechanism: loss of function. Inheritance: Various modes of inheritance.

Allele frequency attached by ClinVar (database versions not stated): gnomAD exomes below 0.00001; ExAC 0.00001.
gnomAD v4.1: 6 of 1,614,112 alleles (0.00037%); highest among the groups gnomAD compares: African/African-American, 0.0013%; no homozygotes.

Submissions (3):

Labcorp Genetics (formerly Invitae), Labcorp
Classification: Uncertain significance for Arrhythmogenic right ventricular dysplasia 10. Last evaluated: 2025-12-21. Review status: criteria provided, single submitter. Criteria: Invitae Variant Classification Sherloc (09022015). Collection method: clinical testing. Allele origin: germline.
Comment: This sequence change replaces serine, which is neutral and polar, with arginine, which is basic and polar, at codon 405 of the DSG2 protein (p.Ser405Arg). This variant is present in population databases (rs771783215, gnomAD 0.0009%). This variant has not been reported in the literature in individuals affected with DSG2-related conditions. ClinVar contains an entry for this variant (Variation ID: 3071110). Invitae Evidence Modeling of protein sequence and biophysical properties (such as structural, functional, and spatial information, amino acid conservation, physicochemical variation, residue mobility, and thermodynamic stability) has been performed for this missense variant. However, the output from this modeling did not meet the statistical confidence thresholds required to predict the impact of this variant on DSG2 protein function. In summary, the available evidence is currently insufficient to determine the role of this variant in disease. Therefore, it has been classified as a Variant of Uncertain Significance.

Color Diagnostics, LLC DBA Color Health
Classification: Uncertain significance for Cardiomyopathy. Last evaluated: 2025-08-24. Review status: criteria provided, single submitter. Criteria: ACMG Guidelines, 2015. Collection method: clinical testing. Allele origin: germline.
Comment: This missense variant replaces serine with arginine at codon 405 of the DSG2 protein. Computational prediction suggests that this variant may not impact protein structure and function. To our knowledge, functional studies have not been reported for this variant. This variant has not been reported in individuals affected with DSG2-related disorders in the literature. This variant has been identified in 1/249322 chromosomes in the general population by the Genome Aggregation Database (gnomAD). The available evidence is insufficient to determine the role of this variant in disease conclusively. Therefore, this variant is classified as a Variant of Uncertain Significance.

All of Us Research Program, National Institutes of Health
Classification: Uncertain significance for Arrhythmogenic right ventricular cardiomyopathy. Last evaluated: 2023-05-16. Review status: criteria provided, single submitter. Criteria: ACMG Guidelines, 2015. Collection method: clinical testing. Allele origin: germline. Inheritance: Autosomal dominant inheritance. Observed: 1 variant allele, 1 heterozygote.
Comment: This missense variant replaces serine with arginine at codon 405 of the DSG2 protein. Computational prediction suggests that this variant may not impact protein structure and function (internally defined REVEL score threshold <= 0.5, PMID: 27666373). To our knowledge, functional studies have not been reported for this variant. This variant has not been reported in individuals affected with DSG2-related disorders in the literature. This variant has been identified in 1/249322 chromosomes in the general population by the Genome Aggregation Database (gnomAD). The available evidence is insufficient to determine the role of this variant in disease conclusively. Therefore, this variant is classified as a Variant of Uncertain Significance.

This study involves interpretation of variants in research participants for the purpose of population health screening. Participant phenotype was not available at the time of variant classification. Additional details can be found in publication PMID: 35346344, PMCID: PMC8962531

NM_001943.5(DSG2):c.1215C>G (p.Ser405Arg)

Gene: DSG2 (desmoglein 2; plus strand). Cytogenetic location: 18q12.1.
Variant type: single nucleotide variant.
Coding change: c.1215C>G on transcript NM_001943.5 (MANE Select); coding-DNA position 1215, C replaced by G.
Protein change: p.Ser405Arg; replaces serine 405 with arginine.
Molecular consequence: missense variant.
Genome position (GRCh38, 1-based): chr18:31,531,187, C>G. VCF-style: chr18-31531187-C-G. GRCh37 (hg19) VCF-style: chr18-29111150-C-G.
Other names: short protein forms S405R.
Identifiers: ClinVar variation 3071110 (VCV003071110.2), dbSNP rs771783215, ClinGen allele CA041681.